The following is an entry in ClinVar:

NM_001375524.1(TRRAP):c.4598C>A (p.Ala1533Asp)

Gene: TRRAP (transformation/transcription domain associated protein; plus strand). Cytogenetic location: 7q22.1.
Variant type: single nucleotide variant.
Coding change: c.4598C>A on transcript NM_001375524.1 (MANE Select); coding-DNA position 4598, C replaced by A.
Protein change: p.Ala1533Asp; replaces alanine 1533 with aspartic acid.
Molecular consequence: missense variant.
Genome position (GRCh38, 1-based): chr7:98,948,270, C>A. VCF-style: chr7-98948270-C-A. GRCh37 (hg19) VCF-style: chr7-98545893-C-A.
Other names: c.4577C>A, p.Ala1526Asp (NM_001244580.2); c.4523C>A, p.Ala1508Asp (NM_003496.4); short protein forms A1508D, A1526D, A1533D.
Identifiers: ClinVar variation 3768510 (VCV003768510.1).

ClinVar aggregate classification (germline): Uncertain significance (1 of 4 stars; one submission).

Submission:

Women's Health and Genetics/Laboratory Corporation of America, LabCorp
Classification: Uncertain significance. Last evaluated: 2024-12-19. Review status: criteria provided, single submitter. Criteria: LabCorp Variant Classification Summary - May 2015. Collection method: clinical testing. Allele origin: germline.
Comment: Variant summary: TRRAP c.4523C>A (p.Ala1508Asp) results in a non-conservative amino acid change located in the Tra1 HEAT repeat ring region (IPR046805) of the encoded protein sequence. Four of five in-silico tools predict a damaging effect of the variant on protein function. The variant was absent in 251478 control chromosomes. The available data on variant occurrences in the general population are insufficient to allow any conclusion about variant significance. To our knowledge, no occurrence of c.4523C>A in individuals affected with Developmental Delay With Or Without Dysmorphic Facies And Autism and no experimental evidence demonstrating its impact on protein function have been reported. No submitters have cited clinical-significance assessments for this variant to ClinVar. Based on the evidence outlined above, the variant was classified as uncertain significance.